The following is an entry in ClinVar:

ClinVar aggregate classification (germline): Uncertain significance. Review status: criteria provided, multiple submitters, no conflicts (2 of 4 stars). 3 submissions from 3 submitters: Uncertain significance (3). Last evaluated 2024-10-07.

Conditions:
Familial thoracic aortic aneurysm and aortic dissection (TAAD). Also called: Thoracic aortic aneurysms and dissections. Identifiers: Orphanet 91387, MedGen C4707243, MONDO:0019625.
Aortic aneurysm, familial thoracic 4 (AAT4). Also called: AORTIC ANEURYSM/AORTIC DISSECTION AND PATENT DUCTUS ARTERIOSUS. Identifiers: MedGen C1851504, MONDO:0007568, OMIM 132900.

gnomAD v4.1: 5 of 1,610,012 alleles (0.00031%); highest among the groups gnomAD compares: Non-Finnish European, 0.00034%; no homozygotes.

Submissions (3):

Color Diagnostics, LLC DBA Color Health
Classification: Uncertain significance for Familial thoracic aortic aneurysm and aortic dissection. Last evaluated: 2024-10-07. Review status: criteria provided, single submitter. Criteria: ACMG Guidelines, 2015. Collection method: clinical testing. Allele origin: germline.
Comment: This missense variant replaces proline with alanine at codon 1938 of the MYH11 protein. Computational prediction suggests that this variant may not impact protein structure and function (internally defined REVEL score threshold <= 0.5, PMID: 27666373). To our knowledge, functional studies have not been reported for this variant. This variant has not been reported in individuals affected with MYH11-related disorders in the literature. This variant has not been identified in the general population by the Genome Aggregation Database (gnomAD). The available evidence is insufficient to determine the role of this variant in disease conclusively. Therefore, this variant is classified as a Variant of Uncertain Significance.

Labcorp Genetics (formerly Invitae), Labcorp
Classification: Uncertain significance for Aortic aneurysm, familial thoracic 4. Last evaluated: 2023-07-13. Review status: criteria provided, single submitter. Criteria: Invitae Variant Classification Sherloc (09022015). Collection method: clinical testing. Allele origin: germline.
Comment: This sequence change replaces proline, which is neutral and non-polar, with alanine, which is neutral and non-polar, at codon 1938 of the MYH11 protein (p.Pro1938Ala). This variant is not present in population databases (gnomAD no frequency). This variant has not been reported in the literature in individuals affected with MYH11-related conditions. ClinVar contains an entry for this variant (Variation ID: 852783). An algorithm developed to predict the effect of missense changes on protein structure and function (PolyPhen-2) suggests that this variant¬†is likely to be tolerated. In summary, the available evidence is currently insufficient to determine the role of this variant in disease. Therefore, it has been classified as a Variant of Uncertain Significance.

All of Us Research Program, National Institutes of Health
Classification: Uncertain significance for Familial thoracic aortic aneurysm and aortic dissection. Last evaluated: 2023-02-24. Review status: criteria provided, single submitter. Criteria: ACMG Guidelines, 2015. Collection method: clinical testing. Allele origin: germline. Inheritance: Autosomal dominant inheritance. Observed: 1 variant allele, 1 heterozygote.
Comment: This missense variant replaces proline with alanine at codon 1938 of the MYH11 protein. Computational prediction suggests that this variant may not impact protein structure and function (internally defined REVEL score threshold <= 0.5, PMID: 27666373). To our knowledge, functional studies have not been reported for this variant. This variant has not been reported in individuals affected with MYH11-related disorders in the literature. This variant has not been identified in the general population by the Genome Aggregation Database (gnomAD). The available evidence is insufficient to determine the role of this variant in disease conclusively. Therefore, this variant is classified as a Variant of Uncertain Significance.

This study involves interpretation of variants in research participants for the purpose of population health screening. Participant phenotype was not available at the time of variant classification. Additional details can be found in publication PMID: 35346344, PMCID: PMC8962531

NM_001040113.2(MYH11):c.5812C>G (p.Pro1938Ala)

Genes: NDE1 (nudE neurodevelopment protein 1; plus strand), MYH11 (myosin heavy chain 11; minus strand). Cytogenetic location: 16p13.11.
Variant type: single nucleotide variant.
Coding change: c.5812C>G on transcript NM_001040113.2 (MANE Plus Clinical); coding-DNA position 5812, C replaced by G.
Protein change: p.Pro1938Ala; replaces proline 1938 with alanine.
Molecular consequence: missense variant. On other transcripts: intron variant (4).
Genome position (GRCh38, 1-based): chr16:15,708,837, G>C on the plus strand (C>G on the coding strand, the complement: MYH11 is on the minus strand). VCF-style: chr16-15708837-G-C. GRCh37 (hg19) VCF-style: chr16-15802694-G-C.
Other names: c.5791C>G, p.Pro1931Ala (NM_022844.3); c.947+11977G>C (NM_001143979.2, NM_017668.3); c.5787-4714C>G (NM_002474.3); c.5808-4714C>G (NM_001040114.2); short protein forms P1931A, P1938A.
Identifiers: ClinVar variation 852783 (VCV000852783.9), dbSNP rs2039614500, ClinGen allele CA394844728.
Genomic context (GRCh38, chr16:15,708,837, plus strand): 5'-CAGCTGCGAAGCTGAAGGCATGATACCTGGTGCATCACTGCGAAGTTTCCTGTGGGGGGG[G>C]CCCTCTGAAACAGAGAGAGAATCCCCGGAGGTTACCATCAGCAAACAAGAAGGAGCCCGG-3'
Protein context (NP_001035202.1, residues 1928-1945): VNALKSKLRG[Pro1938Ala]PPQETSQ